The following is an entry in ClinVar:

ClinVar aggregate classification (germline): Uncertain significance (1 of 4 stars; one submission).

Conditions:
Hereditary cancer-predisposing syndrome. Also called: Tumor predisposition; Hereditary Cancer Syndrome; Hereditary neoplastic syndrome; Neoplastic Syndromes, Hereditary. Identifiers: Orphanet 140162, MedGen C0027672, MeSH D009386, MONDO:0015356.

Submission:

Labcorp Genetics (formerly Invitae), Labcorp
Classification: Uncertain significance for Hereditary cancer-predisposing syndrome. Last evaluated: 2023-07-19. Review status: criteria provided, single submitter. Criteria: Invitae Variant Classification Sherloc (09022015). Collection method: clinical testing. Allele origin: germline.
Comment: This sequence change falls in intron 9 of the RAD50 gene. It does not directly change the encoded amino acid sequence of the RAD50 protein. This variant is not present in population databases (gnomAD no frequency). This variant has not been reported in the literature in individuals affected with RAD50-related conditions. ClinVar contains an entry for this variant (Variation ID: 1480715). Algorithms developed to predict the effect of sequence changes on RNA splicing suggest that this variant may disrupt the consensus splice site. In summary, the available evidence is currently insufficient to determine the role of this variant in disease. Therefore, it has been classified as a Variant of Uncertain Significance.

NM_005732.4(RAD50):c.1453-11T>G

Gene: RAD50 (RAD50 double strand break repair protein; plus strand). Cytogenetic location: 5q31.1.
Variant type: single nucleotide variant.
Coding change: c.1453-11T>G on transcript NM_005732.4 (MANE Select); 11 bases into the intron before coding-DNA position 1453, T replaced by G.
Molecular consequence: intron variant.
Genome position (GRCh38, 1-based): chr5:132,591,213, T>G. VCF-style: chr5-132591213-T-G. GRCh37 (hg19) VCF-style: chr5-131926905-T-G.
Identifiers: ClinVar variation 1480715 (VCV001480715.8), dbSNP rs2149842087, ClinGen allele CA2573138981.
Genomic context (GRCh38, chr5:132,591,213, plus strand): 5'-ACACTTTGTCATTATTTTAATTCTTGCACAAAATATATAACACCTTTGCATTTGTATGAA[T>G]TATTGACTAGGAACGTGAGTTAAGCAAGGCTGAGAAAAACAGCAATGTAGAAACCTTAAA-3'